The following is an entry in ClinVar:

NM_006206.6(PDGFRA):c.1121+5A>G

Gene: PDGFRA (platelet derived growth factor receptor alpha; plus strand). Cytogenetic location: 4q12.
Variant type: single nucleotide variant.
Coding change: c.1121+5A>G on transcript NM_006206.6 (MANE Select); 5 bases into the intron after coding-DNA position 1121, A replaced by G.
Molecular consequence: intron variant.
Genome position (GRCh38, 1-based): chr4:54,267,746, A>G. VCF-style: chr4-54267746-A-G. GRCh37 (hg19) VCF-style: chr4-55133913-A-G.
Other names: c.1196+5A>G (NM_001347828.2); c.1121+5A>G (NM_001347827.2, NM_001347829.2); c.1160+5A>G (NM_001347830.2).
Identifiers: ClinVar variation 240296 (VCV000240296.10), dbSNP rs878854818, ClinGen allele CA10582240.

ClinVar aggregate classification (germline): Conflicting classifications of pathogenicity. Review status: criteria provided, conflicting classifications (1 of 4 stars). 3 submissions from 3 submitters: Uncertain significance (2); Likely benign (1). Last evaluated 2026-06-12.

Conditions:
Polyps, multiple and recurrent inflammatory fibroid, gastrointestinal. Identifiers: MedGen C5193005, MONDO:0008285, OMIM 175510.
Hereditary cancer-predisposing syndrome. Also called: Neoplastic Syndromes, Hereditary; Hereditary neoplastic syndrome; Hereditary Cancer Syndrome; Tumor predisposition. Identifiers: Orphanet 140162, MedGen C0027672, MeSH D009386, MONDO:0015356.
Gastrointestinal stromal tumor. Also called: Gastrointestinal stromal tumor, somatic; Gastrointestinal stroma tumor. Identifiers: Orphanet 44890, MedGen C0238198, MeSH D046152, MONDO:0011719, OMIM 606764, HP:0100723.

Allele frequency attached by ClinVar (database versions not stated): gnomAD exomes below 0.00001.
gnomAD v4.1: 1 of 1,612,660 alleles (0.000062%); highest among the groups gnomAD compares: Non-Finnish European, 0.000085%; no homozygotes.

Submissions (3):

Myriad Genetics, Inc.
Classification: Likely benign for Polyps, multiple and recurrent inflammatory fibroid, gastrointestinal. Last evaluated: 2026-06-12. Review status: criteria provided, single submitter. Criteria: Myriad Autosomal Dominant, Autosomal Recessive and X-Linked Classification Criteria (2023). Collection method: clinical testing. Allele origin: unknown.
Comment: This variant is considered likely benign. This variant is intronic and is not expected to impact mRNA splicing.

Labcorp Genetics (formerly Invitae), Labcorp
Classification: Uncertain significance for Gastrointestinal stromal tumor. Last evaluated: 2025-11-17. Review status: criteria provided, single submitter. Criteria: Invitae Variant Classification Sherloc (09022015). Collection method: clinical testing. Allele origin: germline.
Comment: This sequence change falls in intron 7 of the PDGFRA gene. It does not directly change the encoded amino acid sequence of the PDGFRA protein. It affects a nucleotide within the consensus splice site. This variant is not present in population databases (gnomAD no frequency). This variant has not been reported in the literature in individuals affected with PDGFRA-related conditions. ClinVar contains an entry for this variant (Variation ID: 240296). Variants that disrupt the consensus splice site are a relatively common cause of aberrant splicing (PMID: 17576681, 9536098). Algorithms developed to predict the effect of sequence changes on RNA splicing suggest that this variant is not likely to affect RNA splicing. In summary, the available evidence is currently insufficient to determine the role of this variant in disease. Therefore, it has been classified as a Variant of Uncertain Significance.

Ambry Genetics
Classification: Uncertain significance for Hereditary cancer-predisposing syndrome. Last evaluated: 2025-03-04. Review status: criteria provided, single submitter. Criteria: Ambry Variant Classification Scheme 2023. Collection method: clinical testing. Allele origin: germline.
Comment: The c.1121+5A>G intronic variant results from an A to G substitution 5 nucleotides after coding exon 6 in the PDGFRA gene. This nucleotide position is well conserved in available vertebrate species. In silico splice site analysis predicts that this alteration will not have any significant effect on splicing. Based on the available evidence, the clinical significance of this variant remains unclear.

Literature cited by the submitters: PubMed 17576681 (cited by Labcorp Genetics (formerly Invitae), Labcorp); PubMed 9536098 (cited by Labcorp Genetics (formerly Invitae), Labcorp).